The following is an entry in ClinVar:

NM_022765.4(MICAL1):c.2582-12T>A

Gene: MICAL1 (microtubule associated monooxygenase, calponin and LIM domain containing 1; minus strand). Cytogenetic location: 6q21.
Variant type: single nucleotide variant.
Coding change: c.2582-12T>A on transcript NM_022765.4 (MANE Select); 12 bases into the intron before coding-DNA position 2582, T replaced by A.
Molecular consequence: intron variant.
Genome position (GRCh38, 1-based): chr6:109,445,874, A>T on the plus strand (T>A on the coding strand, the complement: MICAL1 is on the minus strand). VCF-style: chr6-109445874-A-T. GRCh37 (hg19) VCF-style: chr6-109767077-A-T.
Other names: c.2639-12T>A (NM_001286613.2); c.2324-12T>A (NM_001159291.2).
Identifiers: ClinVar variation 1955169 (VCV001955169.5), dbSNP rs1357712436, ClinGen allele CA569571053.

ClinVar aggregate classification (germline): Uncertain significance (1 of 4 stars; one submission).

Submission:

Labcorp Genetics (formerly Invitae), Labcorp
Classification: Uncertain significance. Last evaluated: 2023-10-05. Review status: criteria provided, single submitter. Criteria: Invitae Variant Classification Sherloc (09022015). Collection method: clinical testing. Allele origin: germline.
Comment: This sequence change falls in intron 19 of the MICAL1 gene. It does not directly change the encoded amino acid sequence of the MICAL1 protein. This variant is present in population databases (no rsID available, gnomAD 0.007%). This variant has not been reported in the literature in individuals affected with MICAL1-related conditions. ClinVar contains an entry for this variant (Variation ID: 1955169). Algorithms developed to predict the effect of sequence changes on RNA splicing suggest that this variant may disrupt the consensus splice site. In summary, the available evidence is currently insufficient to determine the role of this variant in disease. Therefore, it has been classified as a Variant of Uncertain Significance.